The following is an entry in ClinVar:

NM_001161352.2(KCNMA1):c.2660A>G (p.Lys887Arg)

Genes: KCNMA1 (potassium calcium-activated channel subfamily M alpha 1; minus strand), KCNMA1-AS1 (KCNMA1 antisense RNA 1; plus strand). Cytogenetic location: 10q22.3.
Variant type: single nucleotide variant.
Coding change: c.2660A>G on transcript NM_001161352.2 (MANE Select); coding-DNA position 2660, A replaced by G.
Protein change: p.Lys887Arg; replaces lysine 887 with arginine.
Molecular consequence: missense variant.
Genome position (GRCh38, 1-based): chr10:76,949,191, T>C on the plus strand (A>G on the coding strand, the complement: KCNMA1 is on the minus strand). VCF-style: chr10-76949191-T-C. GRCh37 (hg19) VCF-style: chr10-78708949-T-C.
Other names: c.2498A>G, p.Lys833Arg (NM_001014797.3, NM_001322835.2, NM_001322837.2); c.2609A>G, p.Lys870Arg (NM_001161353.2); c.2336A>G, p.Lys779Arg (NM_001271518.2); c.2495A>G, p.Lys832Arg (NM_001271519.2, NM_001322829.2, NM_001322836.2); c.2507A>G, p.Lys836Arg (NM_001322830.2); c.2486A>G, p.Lys829Arg (NM_001322832.2, NM_002247.4); c.2033A>G, p.Lys678Arg (NM_001322838.2); c.2486A>G (NM_002247.3); short protein forms K833R, K779R, K870R, K678R, K887R, K829R, K832R, K836R.
Identifiers: ClinVar variation 626124 (VCV000626124.10), dbSNP rs753684298, ClinGen allele CA5568025.

ClinVar aggregate classification (germline): Uncertain significance. Review status: criteria provided, multiple submitters, no conflicts (2 of 4 stars). 5 submissions from 4 submitters: Uncertain significance (5). Last evaluated 2024-05-28.

Conditions:
Generalized epilepsy-paroxysmal dyskinesia syndrome (PNKD3). Also called: Generalized epilepsy and paroxysmal dyskinesia; Paroxysmal nonkinesigenic dyskinesia, 3, with or without generalized epilepsy. Identifiers: Orphanet 79137, MedGen C5574945, MONDO:0012276, OMIM 609446.
Epilepsy, idiopathic generalized, susceptibility to, 16. Identifiers: MedGen C5231421, MONDO:0032827, OMIM 618596.
Cerebellar atrophy, developmental delay, and seizures. Identifiers: MedGen C4539985, MONDO:0060551, OMIM 617643.
Liang-Wang syndrome. Identifiers: Orphanet 664438, MedGen C5231479, MONDO:0032886, OMIM 618729.

Allele frequency attached by ClinVar (database versions not stated): ExAC 0.00001; gnomAD exomes 0.00001; TOPMed 0.00001.
gnomAD v4.1: 6 of 1,614,194 alleles (0.00037%); highest among the groups gnomAD compares: Admixed American, 0.0017%; no homozygotes.

Submissions (5):

GeneDx
Classification: Uncertain significance. Last evaluated: 2024-05-28. Review status: criteria provided, single submitter. Criteria: GeneDx Variant Classification Process June 2021. Collection method: clinical testing. Allele origin: germline. Affected: yes.
Comment: Not observed at significant frequency in large population cohorts (gnomAD); In silico analysis indicates that this missense variant does not alter protein structure/function; Has not been previously published as pathogenic or benign to our knowledge

Labcorp Genetics (formerly Invitae), Labcorp
Classification: Uncertain significance for Generalized epilepsy-paroxysmal dyskinesia syndrome. Last evaluated: 2024-02-12. Review status: criteria provided, single submitter. Criteria: Invitae Variant Classification Sherloc (09022015). Collection method: clinical testing. Allele origin: germline.
Comment: This sequence change replaces lysine, which is basic and polar, with arginine, which is basic and polar, at codon 829 of the KCNMA1 protein (p.Lys829Arg). This variant is present in population databases (rs753684298, gnomAD 0.002%). This variant has not been reported in the literature in individuals affected with KCNMA1-related conditions. ClinVar contains an entry for this variant (Variation ID: 626124). Advanced modeling of protein sequence and biophysical properties (such as structural, functional, and spatial information, amino acid conservation, physicochemical variation, residue mobility, and thermodynamic stability) performed at Invitae indicates that this missense variant is not expected to disrupt KCNMA1 protein function with a negative predictive value of 80%. In summary, the available evidence is currently insufficient to determine the role of this variant in disease. Therefore, it has been classified as a Variant of Uncertain Significance.

Blueprint Genetics
Classification: Uncertain significance. Last evaluated: 2021-06-30. Review status: criteria provided, single submitter. Criteria: ACMG Guidelines, 2015. Collection method: clinical testing. Allele origin: germline.

Center for Genomics, Ann and Robert H. Lurie Children's Hospital of Chicago
Classification: Uncertain significance for Epilepsy, idiopathic generalized, susceptibility to, 16; Generalized epilepsy-paroxysmal dyskinesia syndrome; Cerebellar atrophy, developmental delay, and seizures; Liang-Wang syndrome. Last evaluated: 2021-03-30. Review status: criteria provided, single submitter. Criteria: ACMG Guidelines, 2015. Collection method: clinical testing. Allele origin: germline.
Comment: KCNMA1 NM_002247 exon 21 p.Lys829Arg (c.2486A>G): This variant has not been reported in the literature but is present in 2/111576 European alleles in the Genome Aggregation Database. This variant amino acid Arginine (Arg) is present in >20 bird, reptile and fish species; this suggests that this variant may not impact the protein. Additional computational prediction tools are unclear. In summary, data on this variant is insufficient for disease classification. Therefore, the clinical significance of this variant is uncertain.

Center for Genomics, Ann and Robert H. Lurie Children's Hospital of Chicago
Classification: Uncertain significance for Cerebellar atrophy, developmental delay, and seizures; Generalized epilepsy-paroxysmal dyskinesia syndrome. Last evaluated: 2017-10-10. Review status: criteria provided, single submitter. Criteria: ACMG Guidelines, 2015. Collection method: clinical testing. Allele origin: germline.
Comment: KCNMA1 NM_002247.3 exon 21 p.Lys829Arg (c.2486A>G): This variant has not been reported in the literature but is present in 2/111576 European alleles in the Genome Aggregation Database. This variant amino acid Arginine (Arg) is present in >20 bird, reptile and fish species; this suggests that this variant may not impact the protein. Additional computational prediction tools are unclear. In summary, data on this variant is insufficient for disease classification. Therefore, the clinical significance of this variant is uncertain.